The following is an entry in ClinVar:

ClinVar aggregate classification (germline): Uncertain significance. Review status: criteria provided, multiple submitters, no conflicts (2 of 4 stars). 4 submissions from 4 submitters: Uncertain significance (4). Last evaluated 2025-03-09.

Conditions:
Lucey-Driscoll syndrome (HBLRTFN). Also called: Transient familial neonatal hyperbilirubinemia. Identifiers: Orphanet 2312, MedGen C0270210, MONDO:0009383, OMIM 237900.

Allele frequency attached by ClinVar (database versions not stated): ExAC 0.00001; ESP Exome Variant Server 0.00008.
gnomAD v4.1: 3 of 1,614,232 alleles (0.00019%); highest among the groups gnomAD compares: Non-Finnish European, 0.00017%; no homozygotes.

Submissions (4):

Labcorp Genetics (formerly Invitae), Labcorp
Classification: Uncertain significance. Last evaluated: 2025-03-09. Review status: criteria provided, single submitter. Criteria: Invitae Variant Classification Sherloc (09022015). Collection method: clinical testing. Allele origin: germline.
Comment: This sequence change replaces leucine, which is neutral and non-polar, with proline, which is neutral and non-polar, at codon 60 of the UGT1A1 protein (p.Leu60Pro). This variant is not present in population databases (gnomAD no frequency). This variant has not been reported in the literature in individuals affected with UGT1A1-related conditions. ClinVar contains an entry for this variant (Variation ID: 2504646). Invitae Evidence Modeling of protein sequence and biophysical properties (such as structural, functional, and spatial information, amino acid conservation, physicochemical variation, residue mobility, and thermodynamic stability) indicates that this missense variant is not expected to disrupt UGT1A1 protein function with a negative predictive value of 80%. In summary, the available evidence is currently insufficient to determine the role of this variant in disease. Therefore, it has been classified as a Variant of Uncertain Significance.

ARUP Laboratories, Molecular Genetics and Genomics, ARUP Laboratories
Classification: Uncertain significance. Last evaluated: 2025-01-10. Review status: criteria provided, single submitter. Criteria: ARUP Molecular Germline Variant Investigation Process 2024. Collection method: clinical testing. Allele origin: germline.
Comment: The UGT1A1 c.179T>C; p.Leu60Pro variant (rs370892808), to our knowledge, is not reported in the medical literature but is reported in ClinVar (Variation ID: 2504646). This variant is only observed on one allele in the Genome Aggregation Database (v2.1.1), indicating it is not a common polymorphism. Computational analyses are uncertain whether this variant is neutral or deleterious (REVEL: 0.541). Due to limited information, the clinical significance of this variant is uncertain at this time.

Revvity Omics, Revvity
Classification: Uncertain significance. Last evaluated: 2024-10-17. Review status: criteria provided, single submitter. Criteria: ACMG Guidelines, 2015. Collection method: clinical testing. Allele origin: germline.

Intergen Genetics and Rare Diseases Diagnosis Center
Classification: Uncertain significance for Lucey-Driscoll syndrome. Last evaluated: 2023-06-13. Review status: criteria provided, single submitter. Criteria: ACMG Guidelines, 2015. Collection method: clinical testing. Allele origin: unknown. Inheritance: Oligogenic inheritance. Observed: 1 heterozygote.

NM_000463.3(UGT1A1):c.179T>C (p.Leu60Pro)

Genes: UGT1A1 (UDP glucuronosyltransferase family 1 member A1; plus strand), UGT1A10 (UDP glucuronosyltransferase family 1 member A10; plus strand), UGT1A5 (UDP glucuronosyltransferase family 1 member A5; plus strand), UGT1A9 (UDP glucuronosyltransferase family 1 member A9; plus strand), UGT1A6 (UDP glucuronosyltransferase family 1 member A6; plus strand) and 5 more. Cytogenetic location: 2q37.1.
Variant type: single nucleotide variant.
Coding change: c.179T>C on transcript NM_000463.3 (MANE Select); coding-DNA position 179, T replaced by C.
Protein change: p.Leu60Pro; replaces leucine 60 with proline.
Molecular consequence: missense variant. On other transcripts: intron variant (9).
Genome position (GRCh38, 1-based): chr2:233,760,466, T>C. VCF-style: chr2-233760466-T-C. GRCh37 (hg19) VCF-style: chr2-234669112-T-C.
Other names: c.856-6568T>C (NM_019076.5, NM_019075.4, NM_021027.3 and 1 more transcripts); c.61-6568T>C (NM_205862.3); c.862-6568T>C (NM_001072.4); c.868-6568T>C (NM_019078.2, NM_007120.3, NM_019093.4); short protein forms L60P.
Identifiers: ClinVar variation 2504646 (VCV002504646.5), dbSNP rs370892808, ClinGen allele CA2179785.